The following is an entry in ClinVar:

ClinVar aggregate classification (germline): Likely benign. Review status: criteria provided, multiple submitters, no conflicts (2 of 4 stars). 4 submissions from 4 submitters: Likely benign (2). 2 of the submissions do not count toward it. Last evaluated 2026-06-01.

Conditions:
CIC-related disorder. Also called: CIC-related condition.
Intellectual disability. Also called: intellectual disabilities; Intellectual functioning disability; Intellectual developmental disorder. Identifiers: MedGen C3714756, MeSH D008607, MONDO:0001071, HP:0001249.

Allele frequency attached by ClinVar (database versions not stated): gnomAD 0.00003; TOPMed 0.00003; gnomAD exomes 0.00012; 1000 Genomes Project 30x 0.00094; 1000 Genomes Project 0.00100.
gnomAD v4.1: 192 of 1,613,258 alleles (0.012%); highest among the groups gnomAD compares: South Asian, 0.18%; 1 homozygote.

Submissions (4):

CeGaT Center for Human Genetics Tuebingen
Classification: Likely benign. Last evaluated: 2026-06-01. Review status: criteria provided, single submitter. Criteria: CeGaT Center For Human Genetics Tuebingen Variant Classification Criteria Version 2. Collection method: clinical testing. Allele origin: germline. Affected: yes. Observed: 3 variant alleles.
Comment: CIC: BS1

Cambridge Genomics Laboratory, East Genomic Laboratory Hub, NHS Genomic Medicine Service
Classification: Likely benign for Intellectual disability. Last evaluated: 2020-02-07. Review status: criteria provided, single submitter. Criteria: ACGS Best Practice Guidelines for Variant Classification in Rare Disease 2020. Collection method: clinical testing. Allele origin: germline. Affected: yes. Observed: 1 variant allele.

PreventionGenetics, part of Exact Sciences
Classification: Likely benign for CIC-related condition. Last evaluated: 2021-01-20. Review status: no assertion criteria provided. Collection method: clinical testing. Allele origin: germline. Not counted in ClinVar's aggregate classification.
Comment: This variant is classified as likely benign based on ACMG/AMP sequence variant interpretation guidelines (Richards et al. 2015 PMID: 25741868, with internal and published modifications).

ITMI
No classification provided. Condition: AllHighlyPenetrant. Last evaluated: 2013-09-19. Review status: no classification provided. Collection method: reference population. Allele origin: germline. Not counted in ClinVar's aggregate classification.
Comment: Please see associated publication for description of ethnicities

Literature cited by the submitters: PubMed 24728327 (cited by ITMI).

NM_001386298.1(CIC):c.5929G>A (p.Gly1977Ser)

Gene: CIC (capicua transcriptional repressor; plus strand). Cytogenetic location: 19q13.2.
Variant type: single nucleotide variant.
Coding change: c.5929G>A on transcript NM_001386298.1 (MANE Select); coding-DNA position 5929, G replaced by A.
Protein change: p.Gly1977Ser; replaces glycine 1977 with serine.
Molecular consequence: missense variant.
Genome position (GRCh38, 1-based): chr19:42,292,592, G>A. VCF-style: chr19-42292592-G-A. GRCh37 (hg19) VCF-style: chr19-42796744-G-A.
Other names: c.5929G>A, p.Gly1977Ser (NM_001304815.2, NM_001379480.1, NM_001379482.1); c.3202G>A, p.Gly1068Ser (NM_001379484.1, NM_001379485.1, NM_015125.5); c.3202G>A (NM_015125.4); short protein forms G1068S, G1977S.
Identifiers: ClinVar variation 133907 (VCV000133907.27), dbSNP rs370377701, ClinGen allele CA158132.